The following is an entry in ClinVar:

ClinVar aggregate classification (germline): Uncertain significance (1 of 4 stars; one submission).

Allele frequency attached by ClinVar (database versions not stated): gnomAD exomes below 0.00001.
gnomAD v4.1: 2 of 1,614,198 alleles (0.00012%); highest among the groups gnomAD compares: Non-Finnish European, 0.00017%; no homozygotes.

Submission:

Ambry Genetics
Classification: Uncertain significance. Last evaluated: 2025-03-02. Review status: criteria provided, single submitter. Criteria: Ambry Variant Classification Scheme 2023. Collection method: clinical testing. Allele origin: germline.
Comment: The p.S253C variant (also known as c.758C>G), located in coding exon 1 of the CDK12 gene, results from a C to G substitution at nucleotide position 758. The serine at codon 253 is replaced by cysteine, an amino acid with dissimilar properties. This amino acid position is conserved. In addition, this alteration is predicted to be tolerated by in silico analysis. Based on the available evidence, the clinical significance of this variant remains unclear.

NM_016507.4(CDK12):c.758C>G (p.Ser253Cys)

Genes: CDK12 (cyclin dependent kinase 12; plus strand), LOC126862553 (CDK7 strongly-dependent group 2 enhancer GRCh37_chr17:37618166-37619365; plus strand). Cytogenetic location: 17q12.
Variant type: single nucleotide variant.
Coding change: c.758C>G on transcript NM_016507.4 (MANE Select); coding-DNA position 758, C replaced by G.
Protein change: p.Ser253Cys; replaces serine 253 with cysteine.
Molecular consequence: missense variant.
Genome position (GRCh38, 1-based): chr17:39,462,829, C>G. VCF-style: chr17-39462829-C-G. GRCh37 (hg19) VCF-style: chr17-37619082-C-G.
Other names: c.758C>G, p.Ser253Cys (NM_015083.4); short protein forms S253C.
Identifiers: ClinVar variation 2541189 (VCV002541189.3), dbSNP rs2144898101, ClinGen allele CA398847887.
Genomic context (GRCh38, chr17:39,462,829, plus strand): 5'-AAGATGATAGCCCCTCGGGAGCTTCTTATGGCCAAGATTATGACCTTAGTCCCTCACGAT[C>G]TCATACCTCGAGCAATTATGACTCCTACAAGAAAAGTCCTGGAAGTACCTCGAGAAGGCA-3'
Protein context (NP_057591.2, residues 243-263): GQDYDLSPSR[Ser253Cys]HTSSNYDSYK